The following is an entry in ClinVar:

ClinVar aggregate classification (germline): Uncertain significance (1 of 4 stars; one submission).

Conditions:
Wiskott-Aldrich syndrome 2 (WAS2). Also called: WIPF1 DEFICIENCY. Identifiers: Orphanet 906, MedGen C3281001, MONDO:0013779, OMIM 614493.

Allele frequency attached by ClinVar (database versions not stated): gnomAD exomes below 0.00001 and 0.00001; ExAC 0.00001.
gnomAD v4.1: 4 of 1,611,706 alleles (0.00025%); highest among the groups gnomAD compares: Non-Finnish European, 0.00034%; no homozygotes.

Submission:

Labcorp Genetics (formerly Invitae), Labcorp
Classification: Uncertain significance for Wiskott-Aldrich syndrome 2. Last evaluated: 2021-04-24. Review status: criteria provided, single submitter. Criteria: Invitae Variant Classification Sherloc (09022015). Collection method: clinical testing. Allele origin: germline.
Comment: This sequence change replaces proline with alanine at codon 4 of the WIPF1 protein (p.Pro4Ala). The proline residue is highly conserved and there is a small physicochemical difference between proline and alanine. This variant is present in population databases (rs756471924, ExAC 0.002%). This variant has not been reported in the literature in individuals with WIPF1-related conditions. Experimental studies and prediction algorithms are not available or were not evaluated, and the functional significance of this variant is currently unknown. In summary, the available evidence is currently insufficient to determine the role of this variant in disease. Therefore, it has been classified as a Variant of Uncertain Significance.

NM_001375834.1(WIPF1):c.10C>G (p.Pro4Ala)

Genes: WIPF1 (WAS/WASL interacting protein family member 1; minus strand), WIPF1-AS1 (WIPF1 and CHRNA1 antisense RNA 1; plus strand). Cytogenetic location: 2q31.1.
Variant type: single nucleotide variant.
Coding change: c.10C>G on transcript NM_001375834.1 (MANE Select); coding-DNA position 10, C replaced by G.
Protein change: p.Pro4Ala; replaces proline 4 with alanine.
Molecular consequence: missense variant.
Genome position (GRCh38, 1-based): chr2:174,585,564, G>C on the plus strand (C>G on the coding strand, the complement: WIPF1 is on the minus strand). VCF-style: chr2-174585564-G-C. GRCh37 (hg19) VCF-style: chr2-175450292-G-C.
Other names: c.10C>G, p.Pro4Ala (NM_001077269.1, NM_001375832.1, NM_001375833.1 and 6 more transcripts); short protein forms P4A.
Identifiers: ClinVar variation 1348445 (VCV001348445.6), dbSNP rs756471924, ClinGen allele CA1974276.